The following is an entry in ClinVar:

NM_002769.5(PRSS1):c.259T>A (p.Phe87Ile)

Genes: TRB (T cell receptor beta locus; plus strand), PRSS1 (serine protease 1; plus strand). Cytogenetic location: 7q34.
Variant type: single nucleotide variant.
Coding change: c.259T>A on transcript NM_002769.5 (MANE Select); coding-DNA position 259, T replaced by A.
Protein change: p.Phe87Ile; replaces phenylalanine 87 with isoleucine.
Molecular consequence: missense variant. On other transcripts: non-coding transcript variant (4).
Genome position (GRCh38, 1-based): chr7:142,751,832, T>A. VCF-style: chr7-142751832-T-A. GRCh37 (hg19) VCF-style: chr7-142459683-T-A.
Other names: short protein forms F87I.
Identifiers: ClinVar variation 1793626 (VCV001793626.3), dbSNP rs757132372, ClinGen allele CA4529893.

ClinVar aggregate classification (germline): Uncertain significance (1 of 4 stars; one submission).

Conditions:
Hereditary pancreatitis (PCTT). Also called: Hereditary chronic pancreatitis; PRSS1-Related Hereditary Pancreatitis. Identifiers: Orphanet 676, MedGen C0238339, MONDO:0008185, OMIM 167800.

Allele frequency attached by ClinVar (database versions not stated): ExAC 0.00001.
gnomAD v4.1: 1 of 1,613,990 alleles (0.000062%); highest among the groups gnomAD compares: Non-Finnish European, 0.000085%; no homozygotes.

Submission:

Ambry Genetics
Classification: Uncertain significance for Hereditary pancreatitis. Last evaluated: 2022-11-06. Review status: criteria provided, single submitter. Criteria: Ambry Variant Classification Scheme 2023. Collection method: clinical testing. Allele origin: germline.
Comment: The p.F87I variant (also known as c.259T>A), located in coding exon 3 of the PRSS1 gene, results from a T to A substitution at nucleotide position 259. The phenylalanine at codon 87 is replaced by isoleucine, an amino acid with highly similar properties. This amino acid position is not well conserved in available vertebrate species, and isoleucine is the reference amino acid in other vertebrate species. In addition, the in silico prediction for this alteration is inconclusive. Since supporting evidence is limited at this time, the clinical significance of this alteration remains unclear.